The following is an entry in ClinVar:

Conditions:
Breast-ovarian cancer, familial, susceptibility to, 1 (BROVCA1). Also called: BRCA1 Hereditary Breast and Ovarian Cancer; OVARIAN CANCER, SUSCEPTIBILITY TO. Identifiers: Orphanet 145, MedGen C2676676, MONDO:0011450, OMIM 604370. Disease mechanism: loss of function.

Submission:

Brotman Baty Institute, University of Washington
No classification provided (evidence only). Condition: Breast-ovarian cancer, familial 1. Review status: no classification provided. Collection method: in vitro. Allele origin: not applicable. Functional consequence: functionally_normal.
ClinVar note: "not provided" was previously submitted as the classification for the variant. However, the classification appeared to be based only on an observation of functional data so it was converted to no classification on 2025-07-30.

NM_007294.4(BRCA1):c.5402G>T (p.Gly1801Val)

Gene: BRCA1 (BRCA1 DNA repair associated; minus strand). Cytogenetic location: 17q21.31.
Variant type: single nucleotide variant.
Coding change: c.5402G>T on transcript NM_007294.4 (MANE Select); coding-DNA position 5402, G replaced by T.
Protein change: p.Gly1801Val; replaces glycine 1801 with valine.
Molecular consequence: missense variant. On other transcripts: non-coding transcript variant (1), intron variant (1).
Genome position (GRCh38, 1-based): chr17:43,049,125, C>A on the plus strand (G>T on the coding strand, the complement: BRCA1 is on the minus strand). VCF-style: chr17-43049125-C-A. GRCh37 (hg19) VCF-style: chr17-41201142-C-A.
Other names: c.5189G>T, p.Gly1730Val (NM_001407571.1, NM_001407894.1, NM_001407895.1 and 12 more transcripts); c.5468G>T, p.Gly1823Val (NM_001407581.1, NM_001407582.1); c.5465G>T, p.Gly1822Val (NM_001407583.1, NM_001407585.1, NM_001407587.1 and 1 more transcripts); c.5462G>T, p.Gly1821Val (NM_001407590.1, NM_001407591.1); c.5402G>T, p.Gly1801Val (NM_001407593.1, NM_001407594.1, NM_001407596.1 and 5 more transcripts); c.5399G>T, p.Gly1800Val (NM_001407617.1, NM_001407618.1, NM_001407619.1 and 14 more transcripts); c.5396G>T, p.Gly1799Val (NM_001407636.1, NM_001407637.1, NM_001407638.1 and 13 more transcripts); c.5393G>T, p.Gly1798Val (NM_001407644.1, NM_001407645.1); and 73 more; short protein forms G1822V, G1754V, G1801V, G697V, G1504V, G1673V, G1712V, G1733V.
Identifiers: ClinVar variation 865704 (VCV000865704.3), dbSNP rs531210457, ClinGen allele CA10590672.
Genomic context (GRCh38, chr17:43,049,125, plus strand): 5'-TGCTCACAGGAGAGAATATTGTGTCCTCCCTCTCTGACAGGGCACCCAATACTTACTGTG[C>A]CAAGGGTGAATGATGAAAGCTCCTTCACCACAGAAGCACCACACAGCTGTACCATCCATT-3'
Protein context (NP_009225.1, residues 1791-1811): VVKELSSFTL[Gly1801Val]TGVHPIVVVQ